The following is an entry in ClinVar:

NM_001130987.2(DYSF):c.5630T>C (p.Ile1877Thr)

Gene: DYSF (dysferlin; plus strand). Cytogenetic location: 2p13.2.
Variant type: single nucleotide variant.
Coding change: c.5630T>C on transcript NM_001130987.2 (MANE Select); coding-DNA position 5630, T replaced by C.
Protein change: p.Ile1877Thr; replaces isoleucine 1877 with threonine.
Molecular consequence: missense variant.
Genome position (GRCh38, 1-based): chr2:71,669,195, T>C. VCF-style: chr2-71669195-T-C. GRCh37 (hg19) VCF-style: chr2-71896325-T-C.
Other names: c.5516T>C, p.Ile1839Thr (NM_001130455.2); c.5471T>C, p.Ile1824Thr (NM_001130976.2); c.5534T>C, p.Ile1845Thr (NM_001130977.2); c.5576T>C, p.Ile1859Thr (NM_001130978.2); c.5606T>C, p.Ile1869Thr (NM_001130979.2); c.5564T>C, p.Ile1855Thr (NM_001130980.2); c.5627T>C, p.Ile1876Thr (NM_001130981.2); c.5609T>C, p.Ile1870Thr (NM_001130982.2); and 5 more; short protein forms I1825T, I1859T, I1860T, I1824T, I1855T, I1876T, I1838T, I1839T.
Identifiers: ClinVar variation 963995 (VCV000963995.8), dbSNP rs191052325, ClinGen allele CA1707451.

ClinVar aggregate classification (germline): Uncertain significance. Review status: criteria provided, single submitter (1 of 4 stars). 2 submissions from 2 submitters: Uncertain significance (1). 1 of the submissions does not count toward it. Last evaluated 2021-09-02.

Conditions:
Neuromuscular disease caused by qualitative or quantitative defects of dysferlin. Also called: Qualitative or quantitative defects of dysferlin; Dysferlinopathy. Identifiers: Orphanet 207073, MedGen C2931687, MONDO:0016145.
Autosomal recessive limb-girdle muscular dystrophy type 2B (LGMDR2). Also called: Limb-girdle muscular dystrophy, type 2B; MUSCULAR DYSTROPHY, LIMB-GIRDLE, AUTOSOMAL RECESSIVE 2; MUSCULAR DYSTROPHY, LIMB-GIRDLE, TYPE 3; Limb-Girdle Muscular Dystrophy Type 2B (LGMD2B). Identifiers: Orphanet 268, MedGen C1850889, MONDO:0009676, OMIM 253601.

Allele frequency attached by ClinVar (database versions not stated): gnomAD exomes below 0.00001 and 0.00001; TOPMed below 0.00001; gnomAD 0.00001 and 0.00003; ExAC 0.00003; 1000 Genomes Project 30x 0.00031; 1000 Genomes Project 0.00040.
gnomAD v4.1: 7 of 1,607,672 alleles (0.00044%); highest among the groups gnomAD compares: African/African-American, 0.0013%; no homozygotes.

Submissions (2):

Labcorp Genetics (formerly Invitae), Labcorp
Classification: Uncertain significance for Neuromuscular disease caused by qualitative or quantitative defects of dysferlin. Last evaluated: 2021-09-02. Review status: criteria provided, single submitter. Criteria: Invitae Variant Classification Sherloc (09022015). Collection method: clinical testing. Allele origin: germline.
Comment: This sequence change replaces isoleucine with threonine at codon 1838 of the DYSF protein (p.Ile1838Thr). The isoleucine residue is highly conserved and there is a moderate physicochemical difference between isoleucine and threonine. This variant is present in population databases (rs191052325, ExAC 0.005%). This variant has not been reported in the literature in individuals affected with DYSF-related conditions. Algorithms developed to predict the effect of missense changes on protein structure and function (SIFT, PolyPhen-2, Align-GVGD) all suggest that this variant is likely to be disruptive. In summary, the available evidence is currently insufficient to determine the role of this variant in disease. Therefore, it has been classified as a Variant of Uncertain Significance.

Natera, Inc.
Classification: Uncertain significance for Limb-girdle muscular dystrophy type 2B. Last evaluated: 2020-01-17. Review status: no assertion criteria provided. Collection method: clinical testing. Allele origin: germline. Not counted in ClinVar's aggregate classification.